The following is an entry in ClinVar:

ClinVar aggregate classification (germline): Likely benign. Review status: criteria provided, multiple submitters, no conflicts (2 of 4 stars). 2 submissions from 2 submitters: Likely benign (2). Last evaluated 2025-11-07.

Conditions:
Inborn genetic diseases. Identifiers: MedGen C0950123, MeSH D030342.

Allele frequency attached by ClinVar (database versions not stated): gnomAD exomes 0.00003; ExAC 0.00002; TOPMed 0.00002; gnomAD 0.00003.
gnomAD v4.1: 31 of 1,612,322 alleles (0.0019%); highest among the groups gnomAD compares: African/African-American, 0.011%; no homozygotes.

Submissions (2):

Ambry Genetics
Classification: Likely benign for Inborn genetic diseases. Last evaluated: 2025-11-07. Review status: criteria provided, single submitter. Criteria: Ambry Variant Classification Scheme 2023. Collection method: clinical testing. Allele origin: germline.

GeneDx
Classification: Likely benign. Last evaluated: 2018-05-03. Review status: criteria provided, single submitter. Criteria: GeneDx Variant Classification (06012015). Collection method: clinical testing. Allele origin: germline. Affected: yes.
Comment: This variant is considered likely benign or benign based on one or more of the following criteria: it is a conservative change, it occurs at a poorly conserved position in the protein, it is predicted to be benign by multiple in silico algorithms, and/or has population frequency not consistent with disease.

NM_144991.3(TSPEAR):c.450G>A (p.Pro150=)

Gene: TSPEAR (thrombospondin type laminin G domain and EAR repeats; minus strand). Cytogenetic location: 21q22.3.
Variant type: single nucleotide variant.
Coding change: c.450G>A on transcript NM_144991.3 (MANE Select); coding-DNA position 450, G replaced by A.
Protein change: p.Pro150=; no amino-acid change (proline 150 retained).
Molecular consequence: synonymous variant.
Genome position (GRCh38, 1-based): chr21:44,533,777, C>T on the plus strand (G>A on the coding strand, the complement: TSPEAR is on the minus strand). VCF-style: chr21-44533777-C-T. GRCh37 (hg19) VCF-style: chr21-45953660-C-T.
Other names: c.246G>A, p.Pro82= (NM_001272037.2).
Identifiers: ClinVar variation 682345 (VCV000682345.2), dbSNP rs782696528, ClinGen allele CA10057015.